The following is an entry in ClinVar:

ClinVar aggregate classification (germline): Uncertain significance (1 of 4 stars; one submission).

Conditions:
Cardiovascular phenotype. Identifiers: MedGen CN230736.

Submission:

Ambry Genetics
Classification: Uncertain significance for Cardiovascular phenotype. Last evaluated: 2023-11-08. Review status: criteria provided, single submitter. Criteria: Ambry Variant Classification Scheme 2023. Collection method: clinical testing. Allele origin: germline.
Comment: The p.N575T variant (also known as c.1724A>C), located in coding exon 12 of the DSG2 gene, results from an A to C substitution at nucleotide position 1724. The asparagine at codon 575 is replaced by threonine, an amino acid with similar properties. This amino acid position is conserved. In addition, this alteration is predicted to be tolerated by in silico analysis. Since supporting evidence is limited at this time, the clinical significance of this alteration remains unclear.

NM_001943.5(DSG2):c.1724A>C (p.Asn575Thr)

Gene: DSG2 (desmoglein 2; plus strand). Cytogenetic location: 18q12.1.
Variant type: single nucleotide variant.
Coding change: c.1724A>C on transcript NM_001943.5 (MANE Select); coding-DNA position 1724, A replaced by C.
Protein change: p.Asn575Thr; replaces asparagine 575 with threonine.
Molecular consequence: missense variant.
Genome position (GRCh38, 1-based): chr18:31,538,823, A>C. VCF-style: chr18-31538823-A-C. GRCh37 (hg19) VCF-style: chr18-29118786-A-C.
Other names: short protein forms N575T.
Identifiers: ClinVar variation 3221936 (VCV003221936.1), dbSNP rs727502988, ClinGen allele CA402137258.